The following is an entry in ClinVar:

ClinVar aggregate classification (germline): Uncertain significance. Review status: criteria provided, multiple submitters, no conflicts (2 of 4 stars). 3 submissions from 3 submitters: Uncertain significance (2). 1 of the submissions does not count toward it. Last evaluated 2022-07-05.

Conditions:
Bardet-Biedl syndrome 9 (BBS9). Identifiers: Orphanet 110, MedGen C1859567, MONDO:0014437, OMIM 615986.
BBS9-related disorder. Also called: BBS9-related condition.
Bardet-Biedl syndrome (BBS). Identifiers: Orphanet 110, MedGen C0752166, MONDO:0015229.

Allele frequency attached by ClinVar (database versions not stated): TOPMed below 0.00001; gnomAD exomes 0.00001 and 0.00002.
gnomAD v4.1: 9 of 1,613,690 alleles (0.00056%); highest among the groups gnomAD compares: Admixed American, 0.01%; no homozygotes.

Submissions (3):

Labcorp Genetics (formerly Invitae), Labcorp
Classification: Uncertain significance for Bardet-Biedl syndrome. Last evaluated: 2022-07-05. Review status: criteria provided, single submitter. Criteria: Invitae Variant Classification Sherloc (09022015). Collection method: clinical testing. Allele origin: germline.
Comment: This sequence change replaces aspartic acid, which is acidic and polar, with glycine, which is neutral and non-polar, at codon 273 of the BBS9 protein (p.Asp273Gly). This variant is present in population databases (no rsID available, gnomAD 0.01%). This variant has not been reported in the literature in individuals affected with BBS9-related conditions. ClinVar contains an entry for this variant (Variation ID: 578179). Algorithms developed to predict the effect of missense changes on protein structure and function are either unavailable or do not agree on the potential impact of this missense change (SIFT: "Deleterious"; PolyPhen-2: "Benign"; Align-GVGD: "Class C65"). Algorithms developed to predict the effect of sequence changes on RNA splicing suggest that this variant may create or strengthen a splice site. In summary, the available evidence is currently insufficient to determine the role of this variant in disease. Therefore, it has been classified as a Variant of Uncertain Significance.

Fulgent Genetics
Classification: Uncertain significance for Bardet-Biedl syndrome 9. Last evaluated: 2022-01-31. Review status: criteria provided, single submitter. Criteria: ACMG Guidelines, 2015. Collection method: clinical testing. Allele origin: unknown.

PreventionGenetics, part of Exact Sciences
Classification: Uncertain significance for BBS9-related condition. Last evaluated: 2024-09-04. Review status: no assertion criteria provided. Collection method: clinical testing. Allele origin: germline. Not counted in ClinVar's aggregate classification.
Comment: The BBS9 c.818A>G variant is predicted to result in the amino acid substitution p.Asp273Gly. To our knowledge, this variant has not been reported in the literature. This variant is reported in 0.014% of alleles in individuals of Latino descent in gnomAD. At this time, the clinical significance of this variant is uncertain due to the absence of conclusive functional and genetic evidence.

NM_198428.3(BBS9):c.818A>G (p.Asp273Gly)

Gene: BBS9 (Bardet-Biedl syndrome 9; plus strand). Cytogenetic location: 7p14.3.
Variant type: single nucleotide variant.
Coding change: c.818A>G on transcript NM_198428.3 (MANE Select); coding-DNA position 818, A replaced by G.
Protein change: p.Asp273Gly; replaces aspartic acid 273 with glycine.
Molecular consequence: missense variant. On other transcripts: non-coding transcript variant (3).
Genome position (GRCh38, 1-based): chr7:33,273,127, A>G. VCF-style: chr7-33273127-A-G. GRCh37 (hg19) VCF-style: chr7-33312739-A-G.
Other names: c.818A>G, p.Asp273Gly (NM_001348040.3, NM_001348041.4, NM_001348043.3 and 5 more transcripts); c.683A>G, p.Asp228Gly (NM_001348042.3); c.452A>G, p.Asp151Gly (NM_001348044.3, NM_001348045.3, NM_001348046.3 and 1 more transcripts); c.545A>G, p.Asp182Gly (NM_001348038.3, NM_001348039.3); short protein forms D273G, D151G, D182G, D228G.
Identifiers: ClinVar variation 578179 (VCV000578179.8), dbSNP rs1264926096, ClinGen allele CA367254450.
Genomic context (GRCh38, chr7:33,273,127, plus strand): 5'-TCAATCAGTCGGCATCCTCTGTTTTTGTTCTTGGTGAGAGAAACTTTTTTTGCCTTAAGG[A>G]TAATGGACAAATTCGATTCATGAAGAAGCTTGATTGGAGCCCAAGTTGTTTTCTGCCATA-3'
Protein context (NP_940820.1, residues 263-283): LGERNFFCLK[Asp273Gly]NGQIRFMKKL